The following is an entry in ClinVar:

ClinVar aggregate classification (germline): Conflicting classifications of pathogenicity. Review status: criteria provided, conflicting classifications (1 of 4 stars). 4 submissions from 3 submitters: Uncertain significance (1); Likely benign (3). Last evaluated 2025-02-18.

Conditions:
Hypoalphalipoproteinemia, primary, 1. Identifiers: Orphanet 425, MedGen C5231558, MONDO:0011393, OMIM 604091.
Tangier disease (TGD). Also called: HIGH DENSITY LIPOPROTEIN DEFICIENCY, TANGIER TYPE; HIGH DENSITY LIPOPROTEIN DEFICIENCY, TYPE 1; Cholesterol thesaurismosis. Identifiers: Orphanet 31150, MedGen C0039292, MONDO:0008783, OMIM 205400.

Allele frequency attached by ClinVar (database versions not stated): gnomAD exomes 0.00004 and 0.00009; ExAC 0.00005; gnomAD 0.00006 and 0.00008; TOPMed 0.00010.
gnomAD v4.1: 138 of 1,613,118 alleles (0.0086%); highest among the groups gnomAD compares: Non-Finnish European, 0.011%; no homozygotes.

Submissions (4):

Labcorp Genetics (formerly Invitae), Labcorp
Classification: Likely benign. Last evaluated: 2025-02-18. Review status: criteria provided, single submitter. Criteria: Invitae Variant Classification Sherloc (09022015). Collection method: clinical testing. Allele origin: germline.

Women's Health and Genetics/Laboratory Corporation of America, LabCorp
Classification: Likely benign. Last evaluated: 2024-12-20. Review status: criteria provided, single submitter. Criteria: LabCorp Variant Classification Summary - May 2015. Collection method: clinical testing. Allele origin: germline.

Illumina Laboratory Services, Illumina
Classification: Likely benign for Hypoalphalipoproteinemia, primary, 1. Last evaluated: 2018-01-13. Review status: criteria provided, single submitter. Criteria: ICSL Variant Classification Criteria 13 December 2019. Collection method: clinical testing. Allele origin: germline.
Comment: This variant was observed in the ICSL laboratory as part of a predisposition screen in an ostensibly healthy population. It had not been previously curated by ICSL or reported in the Human Gene Mutation Database (HGMD: prior to June 1st, 2018), and was therefore a candidate for classification through an automated scoring system. Utilizing variant allele frequency, disease prevalence and penetrance estimates, and inheritance mode, an automated score was calculated to assess if this variant is too frequent to cause the disease. Based on the score and internal cut-off values, a variant classified as likely benign is not then subjected to further curation. The score for this variant resulted in a classification of likely benign for this disease.

Illumina Laboratory Services, Illumina
Classification: Uncertain significance for Tangier disease. Last evaluated: 2018-01-13. Review status: criteria provided, single submitter. Criteria: ICSL Variant Classification Criteria 13 December 2019. Collection method: clinical testing. Allele origin: germline.

NM_005502.4(ABCA1):c.720+12T>C

Gene: ABCA1 (ATP binding cassette subfamily A member 1; minus strand). Cytogenetic location: 9q31.1.
Variant type: single nucleotide variant.
Coding change: c.720+12T>C on transcript NM_005502.4 (MANE Select); 12 bases into the intron after coding-DNA position 720, T replaced by C.
Molecular consequence: intron variant.
Genome position (GRCh38, 1-based): chr9:104,858,510, A>G on the plus strand (T>C on the coding strand, the complement: ABCA1 is on the minus strand). VCF-style: chr9-104858510-A-G. GRCh37 (hg19) VCF-style: chr9-107620791-A-G.
Identifiers: ClinVar variation 915034 (VCV000915034.12), dbSNP rs774118431, ClinGen allele CA5169315.